The following is an entry in ClinVar:

NM_004006.3(DMD):c.31+37144C>T

Gene: DMD (dystrophin; minus strand). Cytogenetic location: Xp21.1.
Variant type: single nucleotide variant.
Coding change: c.31+37144C>T on transcript NM_004006.3 (MANE Select); 37144 bases into the intron after coding-DNA position 31, C replaced by T.
Molecular consequence: intron variant.
Genome position (GRCh38, 1-based): chrX:33,174,138, G>A on the plus strand (C>T on the coding strand, the complement: DMD is on the minus strand). VCF-style: chrX-33174138-G-A. GRCh37 (hg19) VCF-style: chrX-33192255-G-A.
Other names: c.8-153938C>T (NM_000109.4).
Identifiers: ClinVar variation 678471 (VCV000678471.1), dbSNP rs5971691, ClinGen allele CA328618612.
Genomic context (GRCh38, chrX:33,174,138, plus strand): 5'-TGCAGAATTGGGATTGAGGGTAGAATGACAAGGGTCCTCACAGCTGACAATCATGGGAAC[G>A]ACAAGGAGAACAAAAGACATTTCACACTTCTCAAAGAGATTACTACCTGTTTTGAGGATC-3'

ClinVar aggregate classification (germline): Benign (1 of 4 stars; one submission).

Allele frequency attached by ClinVar (database versions not stated): TOPMed 0.88850; 1000 Genomes Project 30x 0.89448; 1000 Genomes Project 0.89960; gnomAD 0.90776.

Submission:

GeneDx
Classification: Benign. Last evaluated: 2018-06-15. Review status: criteria provided, single submitter. Criteria: GeneDx Variant Classification (06012015). Collection method: clinical testing. Allele origin: germline. Affected: yes.
Comment: This variant is considered likely benign or benign based on one or more of the following criteria: it is a conservative change, it occurs at a poorly conserved position in the protein, it is predicted to be benign by multiple in silico algorithms, and/or has population frequency not consistent with disease.